The following is an entry in ClinVar:

ClinVar aggregate classification (germline): Uncertain significance (1 of 4 stars; one submission).

Conditions:
Immunodeficiency 14 (IMD14A). Also called: IMMUNODEFICIENCY 14A WITH LYMPHOPROLIFERATION, AUTOSOMAL DOMINANT; Activated PI3K Delta Syndrome Type 1 (APDS1); p110-DELTA-ACTIVATING MUTATION CAUSING SENESCENT T CELLS, LYMPHADENOPATHY, AND IMMUNODEFICIENCY; ACTIVATED PI3K-DELTA SYNDROME 1. Identifiers: Orphanet 397596, Orphanet 693661, MedGen C5907821, MONDO:0014222, OMIM 615513.

Submission:

Labcorp Genetics (formerly Invitae), Labcorp
Classification: Uncertain significance for Activated PI3K-delta syndrome. Last evaluated: 2025-06-16. Review status: criteria provided, single submitter. Criteria: Invitae Variant Classification Sherloc (09022015). Collection method: clinical testing. Allele origin: germline.
Comment: This sequence change replaces threonine, which is neutral and polar, with isoleucine, which is neutral and non-polar, at codon 407 of the PIK3CD protein (p.Thr407Ile). This variant is not present in population databases (gnomAD no frequency). This variant has not been reported in the literature in individuals affected with PIK3CD-related conditions. ClinVar contains an entry for this variant (Variation ID: 2133049). Invitae Evidence Modeling of protein sequence and biophysical properties (such as structural, functional, and spatial information, amino acid conservation, physicochemical variation, residue mobility, and thermodynamic stability) indicates that this missense variant is expected to disrupt PIK3CD protein function with a positive predictive value of 80%. In summary, the available evidence is currently insufficient to determine the role of this variant in disease. Therefore, it has been classified as a Variant of Uncertain Significance.

NM_005026.5(PIK3CD):c.1220C>T (p.Thr407Ile)

Genes: PIK3CD (phosphatidylinositol-4,5-bisphosphate 3-kinase catalytic subunit delta; plus strand), LOC126805612 (MED14-independent group 3 enhancer GRCh37_chr1:9778914-9780113; plus strand). Cytogenetic location: 1p36.22.
Variant type: single nucleotide variant.
Coding change: c.1220C>T on transcript NM_005026.5 (MANE Select); coding-DNA position 1220, C replaced by T.
Protein change: p.Thr407Ile; replaces threonine 407 with isoleucine.
Molecular consequence: missense variant.
Genome position (GRCh38, 1-based): chr1:9,718,893, C>T. VCF-style: chr1-9718893-C-T. GRCh37 (hg19) VCF-style: chr1-9778951-C-T.
Other names: c.1220C>T, p.Thr407Ile (NM_001350234.2); c.1133C>T, p.Thr378Ile (NM_001350235.1); short protein forms T407I, T378I.
Identifiers: ClinVar variation 2133049 (VCV002133049.4), dbSNP rs2524942761, ClinGen allele CA338302364.